The following is an entry in ClinVar:

NM_000551.4(VHL):c.340+601C>T

Genes: VHL (von Hippel-Lindau tumor suppressor; plus strand), LOC107303340 (3p25 von Hippel-Lindau tumor suppressor, E3 ubiquitin protein ligase Alu-mediated recombination region; plus strand). Cytogenetic location: 3p25.3.
Variant type: single nucleotide variant.
Coding change: c.340+601C>T on transcript NM_000551.4 (MANE Select); 601 bases into the intron after coding-DNA position 340, C replaced by T.
Molecular consequence: intron variant. On other transcripts: synonymous variant (1), non-coding transcript variant (1).
Genome position (GRCh38, 1-based): chr3:10,142,788, C>T. VCF-style: chr3-10142788-C-T. GRCh37 (hg19) VCF-style: chr3-10184472-C-T.
Other names: c.366C>T, p.Phe122= (NM_001354723.2); c.340+601C>T (NM_198156.3).
Identifiers: ClinVar variation 2125821 (VCV002125821.4), dbSNP rs978373924, ClinGen allele CA2580068420.
Genomic context (GRCh38, chr3:10,142,788, plus strand): 5'-AGAAAAGCTGCATCCTTAACACCCCATCTGTTCAGTCCTCATGACTCCAGTGGGCCAGTT[C>T]TGCGTAGTCCCTGCCCTCGTGGAGAACACATTCCTCCTGGGGAGACTGACAGATGCAAAG-3'

ClinVar aggregate classification (germline): Uncertain significance (1 of 4 stars; one submission).

Conditions:
Chuvash polycythemia. Also called: POLYCYTHEMIA, VHL-DEPENDENT. Identifiers: Orphanet 238557, MedGen C1837915, MONDO:0009892, OMIM 263400.
Von Hippel-Lindau syndrome (VHLS). Also called: Von Hippel-Lindau; von Hippel–Lindau syndrome; VHL syndrome. Identifiers: Orphanet 892, MedGen C0019562, MONDO:0008667, OMIM 193300. Disease mechanism: loss of function.

Submission:

Labcorp Genetics (formerly Invitae), Labcorp
Classification: Uncertain significance for Von Hippel-Lindau syndrome; Chuvash polycythemia. Last evaluated: 2022-05-18. Review status: criteria provided, single submitter. Criteria: Invitae Variant Classification Sherloc (09022015). Collection method: clinical testing. Allele origin: germline.
Comment: This sequence change falls in intron 1 of the VHL gene. It is not expected to change the encoded amino acid sequence of the VHL protein. However, this sequence change falls within a cryptic exon in the VHL gene, known as exon E1’, which is naturally expressed at low levels in several human tissues (PMID: 29891534). In summary, the available evidence is currently insufficient to determine the role of this variant in disease. Therefore, it has been classified as a Variant of Uncertain Significance. Algorithms developed to predict the effect of sequence changes on RNA splicing suggest that this variant is not likely to affect RNA splicing. This variant has not been reported in the literature in individuals affected with VHL-related conditions. This variant is not present in population databases (gnomAD no frequency).

Literature cited by the submitters: PubMed 29891534.